The following is an entry in ClinVar:

NM_000289.6(PFKM):c.1199C>T (p.Ser400Leu)

Gene: PFKM (phosphofructokinase, muscle; plus strand). Cytogenetic location: 12q13.11.
Variant type: single nucleotide variant.
Coding change: c.1199C>T on transcript NM_000289.6 (MANE Select); coding-DNA position 1199, C replaced by T.
Protein change: p.Ser400Leu; replaces serine 400 with leucine.
Molecular consequence: missense variant. On other transcripts: non-coding transcript variant (6).
Genome position (GRCh38, 1-based): chr12:48,140,729, C>T. VCF-style: chr12-48140729-C-T. GRCh37 (hg19) VCF-style: chr12-48534512-C-T.
Other names: c.1412C>T, p.Ser471Leu (NM_001166686.2, NM_001354737.1, NM_001354738.1 and 1 more transcripts); c.1199C>T, p.Ser400Leu (NM_001166687.2, NM_001166688.2, NM_001354742.2 and 2 more transcripts); c.1508C>T, p.Ser503Leu (NM_001354735.1, NM_001354736.1); c.1343C>T, p.Ser448Leu (NM_001354740.1); c.1223C>T, p.Ser408Leu (NM_001354741.2); c.1112C>T, p.Ser371Leu (NM_001354745.2); c.1073C>T, p.Ser358Leu (NM_001354746.2); c.1049C>T, p.Ser350Leu (NM_001354747.2, NM_001354748.2); and 1 more; short protein forms S369L, S471L, S503L, S371L, S350L, S358L, S400L, S408L.
Identifiers: ClinVar variation 2056636 (VCV002056636.5), dbSNP rs773001987, ClinGen allele CA6537283.

ClinVar aggregate classification (germline): Conflicting classifications of pathogenicity. Review status: criteria provided, conflicting classifications (1 of 4 stars). 3 submissions from 3 submitters: Uncertain significance (2); Likely benign (1). Last evaluated 2023-03-10.

Conditions:
Glycogen storage disease, type VII (GSD7). Also called: GSD VII; MUSCLE PHOSPHOFRUCTOKINASE DEFICIENCY; PFKM DEFICIENCY; TARUI DISEASE. Identifiers: Orphanet 371, MedGen C0017926, MONDO:0009295, OMIM 232800.

Allele frequency attached by ClinVar (database versions not stated): ExAC 0.00004; gnomAD 0.00005; TOPMed 0.00006.

Submissions (3):

Revvity Omics, Revvity
Classification: Uncertain significance for Glycogen storage disease, type VII. Last evaluated: 2023-03-10. Review status: criteria provided, single submitter. Criteria: ACMG Guidelines, 2015. Collection method: clinical testing. Allele origin: germline.

Blueprint Genetics
Classification: Likely benign. Last evaluated: 2023-02-01. Review status: criteria provided, single submitter. Criteria: ACMG Guidelines, 2015. Collection method: clinical testing. Allele origin: germline.

Labcorp Genetics (formerly Invitae), Labcorp
Classification: Uncertain significance for Glycogen storage disease, type VII. Last evaluated: 2022-07-06. Review status: criteria provided, single submitter. Criteria: Invitae Variant Classification Sherloc (09022015). Collection method: clinical testing. Allele origin: germline.
Comment: This sequence change replaces serine, which is neutral and polar, with leucine, which is neutral and non-polar, at codon 400 of the PFKM protein (p.Ser400Leu). This variant is present in population databases (rs773001987, gnomAD 0.02%). This variant has not been reported in the literature in individuals affected with PFKM-related conditions. Algorithms developed to predict the effect of missense changes on protein structure and function output the following: SIFT: "Tolerated"; PolyPhen-2: "Benign"; Align-GVGD: "Class C0". The leucine amino acid residue is found in multiple mammalian species, which suggests that this missense change does not adversely affect protein function. In summary, the available evidence is currently insufficient to determine the role of this variant in disease. Therefore, it has been classified as a Variant of Uncertain Significance.